The following is an entry in ClinVar:

ClinVar aggregate classification (germline): Uncertain significance. Review status: criteria provided, multiple submitters, no conflicts (2 of 4 stars). 2 submissions from 2 submitters: Uncertain significance (2). Last evaluated 2025-02-13.

Conditions:
Hypogonadotropic hypogonadism 2 with or without anosmia (HH2). Also called: HYPOGONADOTROPIC HYPOGONADISM 2 WITHOUT ANOSMIA; HYPOGONADOTROPIC HYPOGONADISM 2 WITH OR WITHOUT ANOSMIA, SUSCEPTIBILITY TO; HYPOGONADOTROPIC HYPOGONADISM 2 WITHOUT ANOSMIA, SUSCEPTIBILITY TO; FGFR1-Related GnRH Deficiency (Kallmann Syndrome 2). Identifiers: Orphanet 478, MedGen C1563720, MONDO:0007844, OMIM 147950. Disease mechanism: loss of function.
Pfeiffer syndrome (ACS5). Also called: ACS V. Identifiers: Orphanet 710, MedGen C0220658, MONDO:0007043, OMIM 101600.

Allele frequency attached by ClinVar (database versions not stated): gnomAD exomes 0.00001; ExAC 0.00002.
gnomAD v4.1: 6 of 1,613,974 alleles (0.00037%); highest among the groups gnomAD compares: African/African-American, 0.0027%; no homozygotes.

Submissions (2):

Labcorp Genetics (formerly Invitae), Labcorp
Classification: Uncertain significance for Pfeiffer syndrome; Hypogonadotropic hypogonadism 2 with or without anosmia. Last evaluated: 2025-02-13. Review status: criteria provided, single submitter. Criteria: Invitae Variant Classification Sherloc (09022015). Collection method: clinical testing. Allele origin: germline.
Comment: This sequence change replaces arginine, which is basic and polar, with cysteine, which is neutral and slightly polar, at codon 54 of the FGFR1 protein (p.Arg54Cys). This variant is present in population databases (rs778531708, gnomAD 0.007%). This variant has not been reported in the literature in individuals affected with FGFR1-related conditions. ClinVar contains an entry for this variant (Variation ID: 468284). Invitae Evidence Modeling of protein sequence and biophysical properties (such as structural, functional, and spatial information, amino acid conservation, physicochemical variation, residue mobility, and thermodynamic stability) has been performed for this missense variant. However, the output from this modeling did not meet the statistical confidence thresholds required to predict the impact of this variant on FGFR1 protein function. In summary, the available evidence is currently insufficient to determine the role of this variant in disease. Therefore, it has been classified as a Variant of Uncertain Significance.

GeneDx
Classification: Uncertain significance. Last evaluated: 2023-11-28. Review status: criteria provided, single submitter. Criteria: GeneDx Variant Classification Process June 2021. Collection method: clinical testing. Allele origin: germline. Affected: yes.
Comment: In silico analysis supports that this missense variant has a deleterious effect on protein structure/function; Has not been previously reported as pathogenic or benign in association with hereditary disease to our knowledge; This variant is associated with the following publications: (PMID: 33209870)

NM_023110.3(FGFR1):c.160C>T (p.Arg54Cys)

Gene: FGFR1 (fibroblast growth factor receptor 1; minus strand). Cytogenetic location: 8p11.23.
Variant type: single nucleotide variant.
Coding change: c.160C>T on transcript NM_023110.3 (MANE Select); coding-DNA position 160, C replaced by T.
Protein change: p.Arg54Cys; replaces arginine 54 with cysteine.
Molecular consequence: missense variant. On other transcripts: intron variant (5).
Genome position (GRCh38, 1-based): chr8:38,429,880, G>A on the plus strand (C>T on the coding strand, the complement: FGFR1 is on the minus strand). VCF-style: chr8-38429880-G-A. GRCh37 (hg19) VCF-style: chr8-38287398-G-A.
Other names: c.160C>T, p.Arg54Cys (NM_001174063.2, NM_001174065.2, NM_001354367.2 and 2 more transcripts); c.136C>T, p.Arg46Cys (NM_001174064.2); c.259C>T, p.Arg87Cys (NM_001174067.2); c.92-1445C>T (NM_001354368.2, NM_001354370.2, NM_023106.3 and 2 more transcripts); short protein forms R54C, R87C, R46C.
Identifiers: ClinVar variation 468284 (VCV000468284.6), dbSNP rs778531708, ClinGen allele CA4718869.